The following is an entry in ClinVar:

ClinVar aggregate classification (germline): Benign/Likely benign. Review status: criteria provided, multiple submitters, no conflicts (2 of 4 stars). 3 submissions from 3 submitters: Benign (1); Likely benign (1). 1 of the submissions does not count toward it. Last evaluated 2026-01-25.

Conditions:
Immunodeficiency 28 (IMD28). Also called: IFNGR2 DEFICIENCY. Identifiers: Orphanet 319547, Orphanet 319574, MedGen C4013947, MONDO:0013953, OMIM 614889.
IFNGR2-related disorder. Also called: IFNGR2-related condition.

Allele frequency attached by ClinVar (database versions not stated): 1000 Genomes Project 30x 0.00094; 1000 Genomes Project 0.00100; ESP Exome Variant Server 0.00115; gnomAD 0.00115 and 0.00125; TOPMed 0.00130; gnomAD exomes 0.00138; ExAC 0.00152.
gnomAD v4.1: 3,329 of 1,613,484 alleles (0.21%); highest among the groups gnomAD compares: South Asian, 0.37%; 12 homozygotes.

Submissions (3):

Labcorp Genetics (formerly Invitae), Labcorp
Classification: Benign for Immunodeficiency 28. Last evaluated: 2026-01-25. Review status: criteria provided, single submitter. Criteria: Invitae Variant Classification Sherloc (09022015). Collection method: clinical testing. Allele origin: germline.

Blueprint Genetics
Classification: Likely benign. Last evaluated: 2024-11-08. Review status: criteria provided, single submitter. Criteria: ACMG Guidelines, 2015. Collection method: clinical testing. Allele origin: germline.

PreventionGenetics, part of Exact Sciences
Classification: Likely benign for IFNGR2-related condition. Last evaluated: 2022-10-17. Review status: no assertion criteria provided. Collection method: clinical testing. Allele origin: germline. Not counted in ClinVar's aggregate classification.
Comment: This variant is classified as likely benign based on ACMG/AMP sequence variant interpretation guidelines (Richards et al. 2015 PMID: 25741868, with internal and published modifications).

NM_005534.4(IFNGR2):c.439G>A (p.Glu147Lys)

Gene: IFNGR2 (interferon gamma receptor 2; plus strand). Cytogenetic location: 21q22.11.
Variant type: single nucleotide variant.
Coding change: c.439G>A on transcript NM_005534.4 (MANE Select); coding-DNA position 439, G replaced by A.
Protein change: p.Glu147Lys; replaces glutamic acid 147 with lysine.
Molecular consequence: missense variant.
Genome position (GRCh38, 1-based): chr21:33,426,910, G>A. VCF-style: chr21-33426910-G-A. GRCh37 (hg19) VCF-style: chr21-34799217-G-A.
Other names: c.496G>A, p.Glu166Lys (NM_001329128.2); short protein forms E147K, E166K.
Identifiers: ClinVar variation 718941 (VCV000718941.14), dbSNP rs17878639, ClinGen allele CA10006945.